The following is an entry in ClinVar:

ClinVar aggregate classification (germline): Pathogenic. Review status: criteria provided, single submitter (1 of 4 stars). 2 submissions from 2 submitters: Pathogenic (1). 1 of the submissions does not count toward it.

Conditions:
Autosomal recessive nonsyndromic hearing loss 9. Also called: AUDITORY NEUROPATHY, AUTOSOMAL RECESSIVE, 1, TEMPERATURE-SENSITIVE; Deafness, autosomal recessive 9; NEUROSENSORY NONSYNDROMIC RECESSIVE DEAFNESS 9; OTOF-Related Hearing Loss. Identifiers: Orphanet 90636, MedGen C1832828, MONDO:0010986, OMIM 601071.
Bilateral sensorineural hearing impairment. Also called: Bilateral sensorineural hearing loss. Identifiers: MedGen C0452138, HP:0008619.

Allele frequency attached by ClinVar (database versions not stated): TOPMed 0.00002.

Submissions (2):

Laboratory of Human Genetics, Institute of Biosciences - University of Sao Paulo
Classification: Pathogenic for Bilateral sensorineural hearing impairment. Review status: criteria provided, single submitter. Criteria: ClinGen HL ACMG Specifications v1. Collection method: research. Allele origin: germline. Affected: yes. Observed: 1 compound heterozygote. Segregation with disease observed.

GeneReviews
No classification provided. Condition: Autosomal recessive nonsyndromic hearing loss 9. Review status: no classification provided. Collection method: literature only. Allele origin: unknown. Not counted in ClinVar's aggregate classification.

Literature cited by the submitters: PubMed 34652575 (cited by Laboratory of Human Genetics, Institute of Biosciences - University of Sao Paulo); PubMed 19461658 (cited by Laboratory of Human Genetics, Institute of Biosciences - University of Sao Paulo); PubMed 18381613 (cited by GeneReviews); PubMed 19636622 (cited by GeneReviews); PubMed 20301429 (cited by GeneReviews); NCBI Bookshelf NBK1251 (cited by GeneReviews).

NM_194248.3(OTOF):c.2891C>A (p.Ala964Glu)

Gene: OTOF (otoferlin; minus strand). Cytogenetic location: 2p23.3.
Variant type: single nucleotide variant.
Coding change: c.2891C>A on transcript NM_194248.3 (MANE Select); coding-DNA position 2891, C replaced by A.
Protein change: p.Ala964Glu; replaces alanine 964 with glutamic acid.
Molecular consequence: missense variant.
Genome position (GRCh38, 1-based): chr2:26,476,014, G>T on the plus strand (C>A on the coding strand, the complement: OTOF is on the minus strand). VCF-style: chr2-26476014-G-T. GRCh37 (hg19) VCF-style: chr2-26698882-G-T.
Other names: c.2891C>A, p.Ala964Glu (NM_001287489.2); c.650C>A, p.Ala217Glu (NM_004802.4, NM_194323.3); c.821C>A, p.Ala274Glu (NM_194322.3); short protein forms A964E, A217E, A274E.
Identifiers: ClinVar variation 65793 (VCV000065793.5), dbSNP rs201329629, ClinGen allele CA345110.